The following is an entry in ClinVar:

NM_007363.5(NONO):c.650+1G>A

Gene: NONO (non-POU domain containing octamer binding; plus strand). Cytogenetic location: Xq13.1.
Variant type: single nucleotide variant.
Coding change: c.650+1G>A on transcript NM_007363.5 (MANE Select); the canonical splice donor site of the intron after coding-DNA position 650, G replaced by A.
Molecular consequence: splice donor variant.
Genome position (GRCh38, 1-based): chrX:71,294,529, G>A. VCF-style: chrX-71294529-G-A. GRCh37 (hg19) VCF-style: chrX-70514379-G-A.
Other names: NC_000023.10:g.70514379G>A; c.650+1G>A (NM_001145408.2, NM_001145409.2); c.383+1G>A (NM_001145410.2).
Identifiers: ClinVar variation 4496855 (VCV004496855.2).

ClinVar aggregate classification (germline): Likely pathogenic (1 of 4 stars; one submission).

Conditions:
Intellectual developmental disorder, X-linked, syndromic 34. Also called: MENTAL RETARDATION, X-LINKED, SYNDROMIC, MIRCSOF-LANGOUET TYPE; Syndromic X-linked intellectual disability 34. Identifiers: Orphanet 466791, MedGen C4225417, MONDO:0010501, OMIM 300967.

gnomAD v4.1: 1 of 1,196,683 alleles (0.000084%); highest among the groups gnomAD compares: Admixed American, 0.0023%; no homozygotes.

Submissions (2):

New York Genome Center
Classification: Likely pathogenic for Intellectual developmental disorder, X-linked, syndromic 34. Last evaluated: 2024-05-09. Review status: criteria provided, single submitter. Criteria: NYGC Assertion Criteria 2020. Collection method: clinical testing. Allele origin: inherited. Affected: yes. Observed: 1 variant allele, 1 hemizygote.
Comment: The hemizygous c.650+1G>A variant identified in NONO has not previously been reported in the literature or public variant repositories (ClinVarand LOVD) and is observed in 1 allele (0.0008889% minor allele frequency with 0 homozygote/hemizygote) in gnomAD v4.0.0, suggesting it is not a common benign variant in the populations represented in that database. The c.650+1G>A variant is located in the canonical splice donor site of intron 5 of this 11-exon gene and is predicted to disrupt mRNA splicing of an out-of-frame exon. Based on available evidence, this hemizygous c.650+1G>A variant identified in NONO is classified as Likely Pathogenic.

Dr. Peter K. Rogan Lab, Western University
No classification provided (evidence only). Condition: Malignant tumor of urinary bladder. Review status: no classification provided. Collection method: in vitro. Allele origin: not applicable. Functional consequence: skipped exon, retained intron. Not counted in ClinVar's aggregate classification.